The following is an entry in ClinVar:

ClinVar aggregate classification (germline): Pathogenic/Likely pathogenic. Review status: criteria provided, multiple submitters, no conflicts (2 of 4 stars). 4 submissions from 4 submitters: Pathogenic (1); Likely pathogenic (1). 2 of the submissions do not count toward it. Last evaluated 2023-12-14.

Conditions:
Fanconi anemia (FA). Also called: Fanconi's anemia. Identifiers: Orphanet 84, MedGen C0015625, MeSH D005199, MONDO:0019391.
Fanconi anemia complementation group A (FANCA). Also called: FANCA-Related Fanconi Anemia; Fanconi anemia, group A. Identifiers: Orphanet 84, MedGen C3469521, MONDO:0009215, OMIM 227650.

Allele frequency attached by ClinVar (database versions not stated): TOPMed below 0.00001.

Submissions (4):

Baylor Genetics
Classification: Likely pathogenic for Fanconi anemia complementation group A. Last evaluated: 2023-12-14. Review status: criteria provided, single submitter. Criteria: ACMG Guidelines, 2015. Collection method: clinical testing. Allele origin: unknown.

Labcorp Genetics (formerly Invitae), Labcorp
Classification: Pathogenic for Fanconi anemia. Last evaluated: 2023-05-12. Review status: criteria provided, single submitter. Criteria: Invitae Variant Classification Sherloc (09022015). Collection method: clinical testing. Allele origin: germline.
Comment: For these reasons, this variant has been classified as Pathogenic. ClinVar contains an entry for this variant (Variation ID: 555314). This variant has not been reported in the literature in individuals affected with FANCA-related conditions. This variant is not present in population databases (gnomAD no frequency). This sequence change creates a premature translational stop signal (p.Ser290Valfs*50) in the FANCA gene. It is expected to result in an absent or disrupted protein product. Loss-of-function variants in FANCA are known to be pathogenic (PMID: 19367192).

Gharavi Laboratory, Columbia University
Classification: Uncertain significance. Last evaluated: 2018-09-16. Review status: no assertion criteria provided. Criteria: ACMG Guidelines, 2015. Collection method: research. Allele origin: germline. Affected: yes. Not counted in ClinVar's aggregate classification.

Counsyl
Classification: Likely pathogenic for Fanconi anemia complementation group A. Last evaluated: 2017-11-28. Review status: no assertion criteria provided. Collection method: clinical testing. Allele origin: unknown. Not counted in ClinVar's aggregate classification.

Literature cited by the submitters: PubMed 19367192 (cited by Labcorp Genetics (formerly Invitae), Labcorp).

NM_000135.4(FANCA):c.863_866dup (p.Ser290fs)

Gene: FANCA (FA complementation group A; minus strand). Cytogenetic location: 16q24.3.
Variant type: Duplication.
Coding change: c.863_866dup on transcript NM_000135.4 (MANE Select); coding-DNA positions 863 to 866, 4 bases duplicated (AGTC; older notation c.863_866dupAGTC).
Protein change: p.Ser290fs; shifts the reading frame from serine 290.
Molecular consequence: frameshift variant.
Genome position (GRCh38, 1-based): chr16:89,799,193-89,799,196, GACT duplicated on the plus strand (AGTC on the coding strand, the reverse complement: FANCA is on the minus strand). VCF-style (leftmost placement, unchanged base first): chr16-89799192-G-GGACT. GRCh37 (hg19) VCF-style: chr16-89865600-G-GGACT.
Other names: c.863_866dup (LRG_495t1); c.863_866dupAGTC (NM_000135.2); c.863_866dup, p.Ser290fs (NM_001018112.3, NM_001286167.3); c.767_770dup, p.Ser258fs (NM_001351830.2); short protein forms S290fs, S258fs.
Identifiers: ClinVar variation 555314 (VCV000555314.6), dbSNP rs1348367722, ClinGen allele CA658824732.